The following is an entry in ClinVar:

ClinVar aggregate classification (germline): Uncertain significance (1 of 4 stars; one submission).

Conditions:
Hypertrophic cardiomyopathy. Also called: HYPERTROPHIC MYOCARDIOPATHY. Identifiers: Orphanet 217569, MedGen C0007194, MeSH D002312, MONDO:0005045, HP:0001639.

Submission:

All of Us Research Program, National Institutes of Health
Classification: Uncertain significance for Hypertrophic cardiomyopathy. Last evaluated: 2023-04-27. Review status: criteria provided, single submitter. Criteria: ACMG Guidelines, 2015. Collection method: clinical testing. Allele origin: germline. Inheritance: Autosomal dominant inheritance. Observed: 1 variant allele, 1 heterozygote.
Comment: This study involves interpretation of variants in research participants for the purpose of population health screening. Participant phenotype was not available at the time of variant classification. Additional details can be found in publication PMID: 35346344, PMCID: PMC8962531

NM_000432.4(MYL2):c.176T>C (p.Val59Ala)

Gene: MYL2 (myosin light chain 2; minus strand). Cytogenetic location: 12q24.11.
Variant type: single nucleotide variant.
Coding change: c.176T>C on transcript NM_000432.4 (MANE Select); coding-DNA position 176, T replaced by C.
Protein change: p.Val59Ala; replaces valine 59 with alanine.
Molecular consequence: missense variant.
Genome position (GRCh38, 1-based): chr12:110,914,284, A>G on the plus strand (T>C on the coding strand, the complement: MYL2 is on the minus strand). VCF-style: chr12-110914284-A-G. GRCh37 (hg19) VCF-style: chr12-111352088-A-G.
Other names: c.134T>C, p.Val45Ala (NM_001406745.1, NM_001406746.1); c.119T>C, p.Val40Ala (NM_001406916.1); short protein forms V40A, V45A, V59A.
Identifiers: ClinVar variation 3070612 (VCV003070612.1), dbSNP rs2071674771, ClinGen allele CA386698859.
Genomic context (GRCh38, chr12:110,914,284, plus strand): 5'-AAGTTAATTGGACCCGGAGCCTCCTTGATCATTTCATCAATTTCTTCATTTTTCACGTTC[A>G]CTCGCCCTAGGGTAGGAAACACACACTCAGGGACTCCGAGCTGGGGAGAAAGAACCATTA-3'
Protein context (NP_000423.2, residues 49-69): LRDTFAALGR[Val59Ala]NVKNEEIDEM